The following is an entry in ClinVar:

NM_000535.7(PMS2):c.871T>C (p.Phe291Leu)

Gene: PMS2 (PMS1 homolog 2, mismatch repair system component; minus strand). Cytogenetic location: 7p22.1.
Variant type: single nucleotide variant.
Coding change: c.871T>C on transcript NM_000535.7 (MANE Select); coding-DNA position 871, T replaced by C.
Protein change: p.Phe291Leu; replaces phenylalanine 291 with leucine.
Molecular consequence: missense variant. On other transcripts: 5 prime UTR variant (2), non-coding transcript variant (1).
Genome position (GRCh38, 1-based): chr7:5,995,566, A>G on the plus strand (T>C on the coding strand, the complement: PMS2 is on the minus strand). VCF-style: chr7-5995566-A-G. GRCh37 (hg19) VCF-style: chr7-6035197-A-G.
Other names: c.466T>C, p.Phe156Leu (NM_001018040.1, NM_001322003.2, NM_001322004.2 and 20 more transcripts); c.871T>C, p.Phe291Leu (NM_001322006.2, NM_001322014.2, NM_001406870.1 and 2 more transcripts); c.553T>C, p.Phe185Leu (NM_001322007.2, NM_001322008.2, NM_001406876.1 and 4 more transcripts); c.-63T>C (NM_001322011.2, NM_001322012.2); c.298T>C, p.Phe100Leu (NM_001322013.2, NM_001406909.1); c.562T>C, p.Phe188Leu (NM_001322015.2, NM_001406875.1, NM_001406877.1 and 6 more transcripts); c.1057T>C, p.Phe353Leu (NM_001406866.1); c.895T>C, p.Phe299Leu (NM_001406868.1); and 4 more; short protein forms F179L, F120L, F299L, F353L, F100L, F156L, F185L, F188L.
Identifiers: ClinVar variation 1764445 (VCV001764445.3), dbSNP rs2536145378, ClinGen allele CA366743455.

ClinVar aggregate classification (germline): Uncertain significance (1 of 4 stars; one submission).

Conditions:
Hereditary cancer-predisposing syndrome. Also called: Neoplastic Syndromes, Hereditary; Tumor predisposition; Hereditary Cancer Syndrome; Hereditary neoplastic syndrome. Identifiers: Orphanet 140162, MedGen C0027672, MeSH D009386, MONDO:0015356.

Allele frequency attached by ClinVar (database versions not stated): gnomAD exomes below 0.00001.
gnomAD v4.1: 1 of 1,614,084 alleles (0.000062%); highest among the groups gnomAD compares: Non-Finnish European, 0.000085%; no homozygotes.

Submission:

Ambry Genetics
Classification: Uncertain significance for Hereditary cancer-predisposing syndrome. Last evaluated: 2025-05-29. Review status: criteria provided, single submitter. Criteria: Ambry Variant Classification Scheme 2023. Collection method: clinical testing. Allele origin: germline.
Comment: The p.F291L variant (also known as c.871T>C), located in coding exon 8 of the PMS2 gene, results from a T to C substitution at nucleotide position 871. The phenylalanine at codon 291 is replaced by leucine, an amino acid with highly similar properties. This amino acid position is highly conserved in available vertebrate species. In addition, this alteration is predicted to be deleterious by in silico analysis. Based on the available evidence, the clinical significance of this variant remains unclear.